The following is an entry in ClinVar:

NM_182943.3(PLOD2):c.1319G>A (p.Arg440Gln)

Gene: PLOD2 (procollagen-lysine,2-oxoglutarate 5-dioxygenase 2; minus strand). Cytogenetic location: 3q24.
Variant type: single nucleotide variant.
Coding change: c.1319G>A on transcript NM_182943.3 (MANE Select); coding-DNA position 1319, G replaced by A.
Protein change: p.Arg440Gln; replaces arginine 440 with glutamine.
Molecular consequence: missense variant.
Genome position (GRCh38, 1-based): chr3:146,081,777, C>T on the plus strand (G>A on the coding strand, the complement: PLOD2 is on the minus strand). VCF-style: chr3-146081777-C-T. GRCh37 (hg19) VCF-style: chr3-145799564-C-T.
Other names: c.1319G>A, p.Arg440Gln (NM_000935.3); short protein forms R440Q.
Identifiers: ClinVar variation 1356555 (VCV001356555.6), dbSNP rs867445059, ClinGen allele CA84513448.

ClinVar aggregate classification (germline): Uncertain significance (1 of 4 stars; one submission).

Allele frequency attached by ClinVar (database versions not stated): TOPMed below 0.00001; gnomAD exomes 0.00001.
gnomAD v4.1: 19 of 1,609,734 alleles (0.0012%); highest among the groups gnomAD compares: Non-Finnish European, 0.0015%; no homozygotes.

Submission:

Labcorp Genetics (formerly Invitae), Labcorp
Classification: Uncertain significance. Last evaluated: 2021-08-22. Review status: criteria provided, single submitter. Criteria: Invitae Variant Classification Sherloc (09022015). Collection method: clinical testing. Allele origin: germline.
Comment: This sequence change replaces arginine with glutamine at codon 440 of the PLOD2 protein (p.Arg440Gln). The arginine residue is highly conserved and there is a small physicochemical difference between arginine and glutamine. This variant is not present in population databases (ExAC no frequency). This variant has not been reported in the literature in individuals affected with PLOD2-related conditions. Algorithms developed to predict the effect of missense changes on protein structure and function (SIFT, PolyPhen-2, Align-GVGD) all suggest that this variant is likely to be disruptive. In summary, the available evidence is currently insufficient to determine the role of this variant in disease. Therefore, it has been classified as a Variant of Uncertain Significance.